The following is an entry in ClinVar:

NM_032888.4(COL27A1):c.3141+4A>C

Gene: COL27A1 (collagen type XXVII alpha 1 chain; plus strand). Cytogenetic location: 9q32.
Variant type: single nucleotide variant.
Coding change: c.3141+4A>C on transcript NM_032888.4 (MANE Select); 4 bases into the intron after coding-DNA position 3141, A replaced by C.
Molecular consequence: intron variant.
Genome position (GRCh38, 1-based): chr9:114,252,936, A>C. VCF-style: chr9-114252936-A-C. GRCh37 (hg19) VCF-style: chr9-117015216-A-C.
Identifiers: ClinVar variation 1470050 (VCV001470050.6), dbSNP rs1306432842, ClinGen allele CA858940925.

ClinVar aggregate classification (germline): Uncertain significance (1 of 4 stars; one submission).

Allele frequency attached by ClinVar (database versions not stated): TOPMed below 0.00001; gnomAD 0.00001.
gnomAD v4.1: 1 of 1,611,526 alleles (0.000062%); highest among the groups gnomAD compares: African/African-American, 0.0013%; no homozygotes.

Submission:

Labcorp Genetics (formerly Invitae), Labcorp
Classification: Uncertain significance. Last evaluated: 2021-08-23. Review status: criteria provided, single submitter. Criteria: Invitae Variant Classification Sherloc (09022015). Collection method: clinical testing. Allele origin: germline.
Comment: This sequence change falls in intron 27 of the COL27A1 gene. It does not directly change the encoded amino acid sequence of the COL27A1 protein. It affects a nucleotide within the consensus splice site of the intron. This variant is not present in population databases (ExAC no frequency). This variant has not been reported in the literature in individuals affected with COL27A1-related conditions. Variants that disrupt the consensus splice site are a relatively common cause of aberrant splicing (PMID: 17576681, 9536098). Algorithms developed to predict the effect of sequence changes on RNA splicing suggest that this variant is not likely to affect RNA splicing. In summary, the available evidence is currently insufficient to determine the role of this variant in disease. Therefore, it has been classified as a Variant of Uncertain Significance.

Literature cited by the submitters: PubMed 17576681; PubMed 9536098.